The following is an entry in ClinVar:

ClinVar aggregate classification (germline): Uncertain significance (1 of 4 stars; one submission).

Conditions:
Mowat-Wilson syndrome (MOWS). Also called: Classic Mowat-Wilson Syndrome. Identifiers: Orphanet 2152, MedGen C1856113, MONDO:0009341, OMIM 235730.

Submission:

Labcorp Genetics (formerly Invitae), Labcorp
Classification: Uncertain significance for Mowat-Wilson syndrome. Last evaluated: 2022-07-06. Review status: criteria provided, single submitter. Criteria: Invitae Variant Classification Sherloc (09022015). Collection method: clinical testing. Allele origin: germline.
Comment: Experimental studies and prediction algorithms are not available or were not evaluated, and the functional significance of this variant is currently unknown. In summary, the available evidence is currently insufficient to determine the role of this variant in disease. Therefore, it has been classified as a Variant of Uncertain Significance. ClinVar contains an entry for this variant (Variation ID: 857081). This variant has not been reported in the literature in individuals affected with ZEB2-related conditions. This variant is not present in population databases (gnomAD no frequency). This variant, c.2050_2064del, results in the deletion of 5 amino acid(s) of the ZEB2 protein (p.Pro684_Val688del), but otherwise preserves the integrity of the reading frame.

NM_014795.4(ZEB2):c.2050_2064del (p.Pro684_Val688del)

Gene: ZEB2 (zinc finger E-box binding homeobox 2; minus strand). Cytogenetic location: 2q22.3.
Variant type: Deletion.
Coding change: c.2050_2064del on transcript NM_014795.4 (MANE Select); coding-DNA positions 2050 to 2064, 15 bases deleted (CCTCAGGAATTTGTG).
Protein change: p.Pro684_Val688del.
Molecular consequence: inframe deletion.
Genome position (GRCh38, 1-based): chr2:144,399,123-144,399,137, CACAAATTCCTGAGG deleted on the plus strand (CCTCAGGAATTTGTG on the coding strand, the reverse complement: ZEB2 is on the minus strand). VCF-style (leftmost placement, unchanged base first): chr2-144399122-TCACAAATTCCTGAGG-T. GRCh37 (hg19) VCF-style: chr2-145156689-TCACAAATTCCTGAGG-T.
Other names: c.1978_1992del, p.Pro660_Val664del (NM_001171653.2).
Identifiers: ClinVar variation 857081 (VCV000857081.9), dbSNP rs1703271651, ClinGen allele CA916082206.